The following is an entry in ClinVar:

ClinVar aggregate classification (germline): Uncertain significance. Review status: criteria provided, multiple submitters, no conflicts (2 of 4 stars). 2 submissions from 2 submitters: Uncertain significance (2). Last evaluated 2025-05-19.

Conditions:
Inborn genetic diseases. Identifiers: MedGen C0950123, MeSH D030342.

Allele frequency attached by ClinVar (database versions not stated): TOPMed 0.00001.

Submissions (2):

Ambry Genetics
Classification: Uncertain significance for Inborn genetic diseases. Last evaluated: 2025-05-19. Review status: criteria provided, single submitter. Criteria: Ambry Variant Classification Scheme 2023. Collection method: clinical testing. Allele origin: germline.

Labcorp Genetics (formerly Invitae), Labcorp
Classification: Uncertain significance. Last evaluated: 2024-10-29. Review status: criteria provided, single submitter. Criteria: Invitae Variant Classification Sherloc (09022015). Collection method: clinical testing. Allele origin: germline.
Comment: This sequence change replaces arginine, which is basic and polar, with threonine, which is neutral and polar, at codon 133 of the NPHS2 protein (p.Arg133Thr). This variant is not present in population databases (gnomAD no frequency). This variant has not been reported in the literature in individuals affected with NPHS2-related conditions. ClinVar contains an entry for this variant (Variation ID: 2143285). Invitae Evidence Modeling of protein sequence and biophysical properties (such as structural, functional, and spatial information, amino acid conservation, physicochemical variation, residue mobility, and thermodynamic stability) indicates that this missense variant is expected to disrupt NPHS2 protein function with a positive predictive value of 95%. In summary, the available evidence is currently insufficient to determine the role of this variant in disease. Therefore, it has been classified as a Variant of Uncertain Significance.

NM_014625.4(NPHS2):c.398G>C (p.Arg133Thr)

Gene: NPHS2 (NPHS2 stomatin family member, podocin; minus strand). Cytogenetic location: 1q25.2.
Variant type: single nucleotide variant.
Coding change: c.398G>C on transcript NM_014625.4 (MANE Select); coding-DNA position 398, G replaced by C.
Protein change: p.Arg133Thr; replaces arginine 133 with threonine.
Molecular consequence: missense variant.
Genome position (GRCh38, 1-based): chr1:179,561,342, C>G on the plus strand (G>C on the coding strand, the complement: NPHS2 is on the minus strand). VCF-style: chr1-179561342-C-G. GRCh37 (hg19) VCF-style: chr1-179530477-C-G.
Other names: c.398G>C (NM_014625.2); c.398G>C, p.Arg133Thr (NM_001297575.2); short protein forms R133T.
Identifiers: ClinVar variation 2143285 (VCV002143285.4), dbSNP rs1177096771, ClinGen allele CA343569843.
Genomic context (GRCh38, chr1:179,561,342, plus strand): 5'-TTTTTACCAGGGCCTTTGGCTCTTCCAGGAAGCAGATGTCCCAGTCGGAATATAATTACT[C>G]TTTCATACTCTTGTACAACCTAAAGAGAAATTTAATCCTTTCAAATCACTCCCAGAAAGA-3'
Protein context (NP_055440.1, residues 123-143): FCVKVVQEYE[Arg133Thr]VIIFRLGHLL